The following is an entry in ClinVar:

ClinVar aggregate classification (germline): Uncertain significance. Review status: criteria provided, multiple submitters, no conflicts (2 of 4 stars). 2 submissions from 2 submitters: Uncertain significance (2). Last evaluated 2025-02-01.

Conditions:
Inborn genetic diseases. Identifiers: MedGen C0950123, MeSH D030342.
Hereditary spastic paraplegia 47. Also called: Spastic paraplegia 47, autosomal recessive; adaptor protein 4 (AP-4) deficiency syndrome; CEREBRAL PALSY, SPASTIC QUADRIPLEGIC, 5. Identifiers: Orphanet 280763, MedGen C3279738, MONDO:0013551, OMIM 614066.

Allele frequency attached by ClinVar (database versions not stated): gnomAD 0.00003; TOPMed 0.00002.

Submissions (2):

Ambry Genetics
Classification: Uncertain significance for Inborn genetic diseases. Last evaluated: 2025-02-01. Review status: criteria provided, single submitter. Criteria: Ambry Variant Classification Scheme 2023. Collection method: clinical testing. Allele origin: germline.

Labcorp Genetics (formerly Invitae), Labcorp
Classification: Uncertain significance for Hereditary spastic paraplegia 47. Last evaluated: 2022-07-06. Review status: criteria provided, single submitter. Criteria: Invitae Variant Classification Sherloc (09022015). Collection method: clinical testing. Allele origin: germline.
Comment: This sequence change replaces serine, which is neutral and polar, with asparagine, which is neutral and polar, at codon 108 of the AP4B1 protein (p.Ser108Asn). This variant is not present in population databases (gnomAD no frequency). This variant has not been reported in the literature in individuals affected with AP4B1-related conditions. ClinVar contains an entry for this variant (Variation ID: 1058778). Algorithms developed to predict the effect of missense changes on protein structure and function (SIFT, PolyPhen-2, Align-GVGD) all suggest that this variant is likely to be tolerated. In summary, the available evidence is currently insufficient to determine the role of this variant in disease. Therefore, it has been classified as a Variant of Uncertain Significance.

NM_001253852.3(AP4B1):c.323G>A (p.Ser108Asn)

Gene: AP4B1 (adaptor related protein complex 4 subunit beta 1; minus strand). Cytogenetic location: 1p13.2.
Variant type: single nucleotide variant.
Coding change: c.323G>A on transcript NM_001253852.3 (MANE Select); coding-DNA position 323, G replaced by A.
Protein change: p.Ser108Asn; replaces serine 108 with asparagine.
Molecular consequence: missense variant. On other transcripts: intron variant (1).
Genome position (GRCh38, 1-based): chr1:113,902,653, C>T on the plus strand (G>A on the coding strand, the complement: AP4B1 is on the minus strand). VCF-style: chr1-113902653-C-T. GRCh37 (hg19) VCF-style: chr1-114445275-C-T.
Other names: c.26G>A, p.Ser9Asn (NM_001253853.3); c.323G>A, p.Ser108Asn (NM_006594.5); c.113+1952G>A (NM_001308312.2); c.323G>A (NM_006594.2); short protein forms S108N, S9N.
Identifiers: ClinVar variation 1058778 (VCV001058778.7), dbSNP rs1157647320, ClinGen allele CA341689239.